The following is an entry in ClinVar:

NM_000283.4(PDE6B):c.2152G>A (p.Asp718Asn)

Gene: PDE6B (phosphodiesterase 6B; plus strand). Cytogenetic location: 4p16.3.
Variant type: single nucleotide variant.
Coding change: c.2152G>A on transcript NM_000283.4 (MANE Select); coding-DNA position 2152, G replaced by A.
Protein change: p.Asp718Asn; replaces aspartic acid 718 with asparagine.
Molecular consequence: missense variant.
Genome position (GRCh38, 1-based): chr4:664,903, G>A. VCF-style: chr4-664903-G-A. GRCh37 (hg19) VCF-style: chr4-658692-G-A.
Other names: c.2152G>A, p.Asp718Asn (NM_001145291.2); c.1315G>A, p.Asp439Asn (NM_001145292.2, NM_001350154.3, NM_001379246.1 and 1 more transcripts); c.997G>A, p.Asp333Asn (NM_001350155.3); short protein forms D718N, D333N, D439N.
Identifiers: ClinVar variation 287073 (VCV000287073.62), dbSNP rs150639487, ClinGen allele CA2794912.

ClinVar aggregate classification (germline): Conflicting classifications of pathogenicity. Review status: criteria provided, conflicting classifications (1 of 4 stars). 9 submissions from 8 submitters: Pathogenic (2); Likely pathogenic (1); Uncertain significance (6). Last evaluated 2025-11-25.

Conditions:
PDE6B-related disorder. Also called: PDE6B-related disease; PDE6B-related condition; PDE6B-related disorders.
Retinitis pigmentosa (RP). Identifiers: Orphanet 791, MedGen C0035334, MeSH D012174, MONDO:0019200, OMIM 268000. Inheritance: Autosomal dominant, autosomal recessive and X linked inheritance.
Retinitis pigmentosa 40 (RP40). Identifiers: Orphanet 791, MedGen C3151107, MONDO:0013429, OMIM 613801.
Congenital stationary night blindness autosomal dominant 2. Also called: NIGHT BLINDNESS, CONGENITAL STATIONARY, RAMBUSCH TYPE. Identifiers: Orphanet 215, MedGen C1876182, MONDO:0008099, OMIM 163500.

Allele frequency attached by ClinVar (database versions not stated): TOPMed 0.00001.
gnomAD v4.1: 14 of 1,613,206 alleles (0.00087%); highest among the groups gnomAD compares: East Asian, 0.0045%; no homozygotes.

Submissions (9):

Labcorp Genetics (formerly Invitae), Labcorp
Classification: Pathogenic. Last evaluated: 2025-11-25. Review status: criteria provided, single submitter. Criteria: Invitae Variant Classification Sherloc (09022015). Collection method: clinical testing. Allele origin: germline.
Comment: This sequence change replaces aspartic acid, which is acidic and polar, with asparagine, which is neutral and polar, at codon 718 of the PDE6B protein (p.Asp718Asn). The frequency data for this variant in the population databases is considered unreliable, as metrics indicate poor data quality at this position in the gnomAD database. This missense change has been observed in individuals with autosomal recessive PDE6B-related conditions (PMID: 34906470, 36819107; internal data). ClinVar contains an entry for this variant (Variation ID: 287073). Invitae Evidence Modeling of protein sequence and biophysical properties (such as structural, functional, and spatial information, amino acid conservation, physicochemical variation, residue mobility, and thermodynamic stability) indicates that this missense variant is expected to disrupt PDE6B protein function with a positive predictive value of 95%. This variant disrupts the p.Asp718 amino acid residue in PDE6B. Other variant(s) that disrupt this residue have been determined to be pathogenic (PMID: 30998820; internal data). This suggests that this residue is clinically significant, and that variants that disrupt this residue are likely to be disease-causing. For these reasons, this variant has been classified as Pathogenic.

3billion
Classification: Uncertain significance for Retinitis pigmentosa 40. Last evaluated: 2024-10-18. Review status: criteria provided, single submitter. Criteria: ACMG Guidelines, 2015. Collection method: clinical testing. Allele origin: germline. Affected: yes.
Comment: The variant is observed at an extremely low frequency in the gnomAD v4.1.0 dataset (total allele frequency: <0.001%). Predicted Consequence/Location: Missense variant In silico tool predictions suggest damaging effect of the variant on gene or gene product [REVEL: 0.84 (>=0.6, sensitivity 0.68 and specificity 0.92); 3Cnet: 0.96 (>=0.6, sensitivity 0.72 and precision 0.9)]. The same nucleotide change resulting in the same amino acid change has been previously reported to be associated with PDE6B related disorder (PMID: 36819107). A different missense change at the same codon (p.Asp718Tyr) has been reported to be associated with PDE6B related disorder (ClinVar ID: VCV000865898 /PMID: 30998820). However, the evidence of pathogenicity is insufficient at this time. Therefore, this variant is classified as VUS according to the recommendation of ACMG/AMP guideline.

Blueprint Genetics
Classification: Pathogenic for PDE6B-related disorders. Last evaluated: 2024-08-21. Review status: criteria provided, single submitter. Criteria: ACMG Guidelines, 2015. Collection method: clinical testing. Allele origin: germline. Affected: yes. Observed: 5 variant alleles.

Laboratory of Medical Genetics, National & Kapodistrian University of Athens
Classification: Likely pathogenic for Retinitis pigmentosa 40. Last evaluated: 2023-03-30. Review status: criteria provided, single submitter. Criteria: ACMG Guidelines, 2015. Collection method: clinical testing. Allele origin: germline. Inheritance: Autosomal recessive inheritance. Affected: yes.

Broad Center for Mendelian Genomics, Broad Institute of MIT and Harvard
Classification: Uncertain significance for Retinitis pigmentosa. Last evaluated: 2021-04-01. Review status: criteria provided, single submitter. Criteria: ACMG Guidelines, 2015. Collection method: curation. Allele origin: germline. Inheritance: Autosomal recessive inheritance. Affected: yes.
Comment: Through a review of available evidence we were able to apply the following criteria: PM2, PP3. Based on this evidence we have classified this variant as a Variant of Uncertain Significance. If you have any questions about the classification please reach out to the Pierce Lab.

CeGaT Center for Human Genetics Tuebingen
Classification: Uncertain significance. Last evaluated: 2019-05-01. Review status: criteria provided, single submitter. Criteria: CeGaT Center For Human Genetics Tuebingen Variant Classification Criteria Version 2. Collection method: clinical testing. Allele origin: germline. Affected: yes. Observed: 1 variant allele.

Illumina Laboratory Services, Illumina
Classification: Uncertain significance for Congenital stationary night blindness autosomal dominant 2. Last evaluated: 2018-01-12. Review status: criteria provided, single submitter. Criteria: ICSL Variant Classification Criteria 13 December 2019. Collection method: clinical testing. Allele origin: germline.

Illumina Laboratory Services, Illumina
Classification: Uncertain significance for Retinitis pigmentosa. Last evaluated: 2018-01-12. Review status: criteria provided, single submitter. Criteria: ICSL Variant Classification Criteria 13 December 2019. Collection method: clinical testing. Allele origin: germline.

Eurofins Ntd Llc (ga)
Classification: Uncertain significance. Last evaluated: 2016-03-23. Review status: criteria provided, single submitter. Criteria: EGL Classification Definitions 2015. Collection method: clinical testing. Allele origin: germline. Observed: 3 variant alleles, 2 heterozygotes, 1 homozygote.

Literature cited by the submitters: PubMed 34906470 (cited by Labcorp Genetics (formerly Invitae), Labcorp and Broad Center for Mendelian Genomics, Broad Institute of MIT and Harvard); PubMed 36819107 (cited by Labcorp Genetics (formerly Invitae), Labcorp and 3billion); PubMed 30998820 (cited by Labcorp Genetics (formerly Invitae), Labcorp and 3billion).